The following is an entry in ClinVar:

ClinVar aggregate classification (germline): Likely pathogenic (1 of 4 stars; one submission).

Conditions:
Charcot-Marie-Tooth disease type 2. Also called: Charcot-Marie-Tooth type 2. Identifiers: Orphanet 64746, MedGen C0270914, MONDO:0018993.

Allele frequency attached by ClinVar (database versions not stated): gnomAD exomes below 0.00001; ExAC 0.00001; 1000 Genomes Project 0.00020; TOPMed below 0.00001; gnomAD 0.00001; 1000 Genomes Project 30x 0.00016.
gnomAD v4.1: 6 of 1,614,212 alleles (0.00037%); highest among the groups gnomAD compares: East Asian, 0.0045%; no homozygotes.

Submission:

Labcorp Genetics (formerly Invitae), Labcorp
Classification: Likely pathogenic for Charcot-Marie-Tooth disease type 2. Last evaluated: 2024-09-16. Review status: criteria provided, single submitter. Criteria: Invitae Variant Classification Sherloc (09022015). Collection method: clinical testing. Allele origin: germline.
Comment: This sequence change replaces alanine, which is neutral and non-polar, with valine, which is neutral and non-polar, at codon 382 of the MFN2 protein (p.Ala382Val). This variant is present in population databases (rs201165591, gnomAD 0.006%). This missense change has been observed in individual(s) with clinical features of autosomal dominant MFN2-related conditions (internal data). ClinVar contains an entry for this variant (Variation ID: 836383). Invitae Evidence Modeling of protein sequence and biophysical properties (such as structural, functional, and spatial information, amino acid conservation, physicochemical variation, residue mobility, and thermodynamic stability) has been performed for this missense variant. However, the output from this modeling did not meet the statistical confidence thresholds required to predict the impact of this variant on MFN2 protein function. This variant disrupts the p.Ala382 amino acid residue in MFN2. Other variant(s) that disrupt this residue have been determined to be pathogenic (PMID: 23456260). This suggests that this residue is clinically significant, and that variants that disrupt this residue are likely to be disease-causing. In summary, the currently available evidence indicates that the variant is pathogenic, but additional data are needed to prove that conclusively. Therefore, this variant has been classified as Likely Pathogenic.

Literature cited by the submitters: PubMed 23456260.

NM_014874.4(MFN2):c.1145C>T (p.Ala382Val)

Gene: MFN2 (mitofusin 2; plus strand). Cytogenetic location: 1p36.22.
Variant type: single nucleotide variant.
Coding change: c.1145C>T on transcript NM_014874.4 (MANE Select); coding-DNA position 1145, C replaced by T.
Protein change: p.Ala382Val; replaces alanine 382 with valine.
Molecular consequence: missense variant.
Genome position (GRCh38, 1-based): chr1:12,002,088, C>T. VCF-style: chr1-12002088-C-T. GRCh37 (hg19) VCF-style: chr1-12062145-C-T.
Other names: c.1145C>T, p.Ala382Val (NM_001127660.2); short protein forms A382V.
Identifiers: ClinVar variation 836383 (VCV000836383.10), dbSNP rs201165591, ClinGen allele CA599015.